The following is an entry in ClinVar:

ClinVar aggregate classification (germline): Uncertain significance. Review status: criteria provided, multiple submitters, no conflicts (2 of 4 stars). 3 submissions from 3 submitters: Uncertain significance (3). Last evaluated 2025-10-30.

Conditions:
Malignant hyperthermia, susceptibility to, 5 (MHS5). Also called: CACNA1S-Related Malignant Hyperthermia Susceptibility. Identifiers: Orphanet 423, MedGen C1866077, MONDO:0011163, OMIM 601887.
Inborn genetic diseases. Identifiers: MedGen C0950123, MeSH D030342.
Hypokalemic periodic paralysis, type 1. Also called: Hypokalemic Periodic Paralysis Type 1 (AD); HypoPP. Identifiers: Orphanet 681, MedGen C3714580, MONDO:0042979, OMIM 170400.

Submissions (3):

Ambry Genetics
Classification: Uncertain significance for Inborn genetic diseases. Last evaluated: 2025-10-30. Review status: criteria provided, single submitter. Criteria: Ambry Variant Classification Scheme 2023. Collection method: clinical testing. Allele origin: germline.

Labcorp Genetics (formerly Invitae), Labcorp
Classification: Uncertain significance for Hypokalemic periodic paralysis, type 1; Malignant hyperthermia, susceptibility to, 5. Last evaluated: 2025-04-08. Review status: criteria provided, single submitter. Criteria: Invitae Variant Classification Sherloc (09022015). Collection method: clinical testing. Allele origin: germline.
Comment: This sequence change replaces proline, which is neutral and non-polar, with leucine, which is neutral and non-polar, at codon 1732 of the CACNA1S protein (p.Pro1732Leu). This variant is present in population databases (rs759055102, gnomAD 0.003%). This variant has not been reported in the literature in individuals affected with CACNA1S-related conditions. Invitae Evidence Modeling of protein sequence and biophysical properties (such as structural, functional, and spatial information, amino acid conservation, physicochemical variation, residue mobility, and thermodynamic stability) indicates that this missense variant is not expected to disrupt CACNA1S protein function with a negative predictive value of 95%. In summary, the available evidence is currently insufficient to determine the role of this variant in disease. Therefore, it has been classified as a Variant of Uncertain Significance.

Color Diagnostics, LLC DBA Color Health
Classification: Uncertain significance for Malignant hyperthermia, susceptibility to, 5. Last evaluated: 2023-09-13. Review status: criteria provided, single submitter. Criteria: ACMG Guidelines, 2015. Collection method: clinical testing. Allele origin: germline.
Comment: This missense variant replaces proline with leucine at codon 1732 of the CACNA1S protein. Computational prediction suggests that this variant may not impact protein structure and function. To our knowledge, functional studies have not been reported for this variant. This variant has not been reported in individuals affected with CACNA1S-related disorders in the literature. This variant has been identified in 4/282632 chromosomes in the general population by the Genome Aggregation Database (gnomAD). The available evidence is insufficient to determine the role of this variant in disease conclusively. Therefore, this variant is classified as a Variant of Uncertain Significance.

NM_000069.3(CACNA1S):c.5195C>T (p.Pro1732Leu)

Gene: CACNA1S (calcium voltage-gated channel subunit alpha1 S; minus strand). Cytogenetic location: 1q32.1.
Variant type: single nucleotide variant.
Coding change: c.5195C>T on transcript NM_000069.3 (MANE Select); coding-DNA position 5195, C replaced by T.
Protein change: p.Pro1732Leu; replaces proline 1732 with leucine.
Molecular consequence: missense variant.
Genome position (GRCh38, 1-based): chr1:201,040,653, G>A on the plus strand (C>T on the coding strand, the complement: CACNA1S is on the minus strand). VCF-style: chr1-201040653-G-A. GRCh37 (hg19) VCF-style: chr1-201009781-G-A.
Other names: short protein forms P1732L.
Identifiers: ClinVar variation 4603656 (VCV004603656.3).
Genomic context (GRCh38, chr1:201,040,653, plus strand): 5'-GTTTGCTCCCAGGCCTCTGCCACTGTTACCTGGCAGGGGGCAGGAGGTGCCTGGCCTCTG[G>A]GCATTGCCCTCTGGGTCAGCAGTCCCTTCAGCATCTCCACACAGGGTTTGCTGTGGGGTC-3'
Protein context (NP_000060.2, residues 1722-1742): LKGLLTQRAM[Pro1732Leu]RGQAPPAPCQ